The following is an entry in ClinVar:

NM_001845.6(COL4A1):c.1728+3A>C

Gene: COL4A1 (collagen type IV alpha 1 chain; minus strand). Cytogenetic location: 13q34.
Variant type: single nucleotide variant.
Coding change: c.1728+3A>C on transcript NM_001845.6 (MANE Select); 3 bases into the intron after coding-DNA position 1728, A replaced by C.
Molecular consequence: intron variant.
Genome position (GRCh38, 1-based): chr13:110,187,135, T>G on the plus strand (A>C on the coding strand, the complement: COL4A1 is on the minus strand). VCF-style: chr13-110187135-T-G. GRCh37 (hg19) VCF-style: chr13-110839482-T-G.
Identifiers: ClinVar variation 1524527 (VCV001524527.8), dbSNP rs1280449918, ClinGen allele CA2573149431.

ClinVar aggregate classification (germline): Uncertain significance (1 of 4 stars; one submission).

Submission:

Labcorp Genetics (formerly Invitae), Labcorp
Classification: Uncertain significance. Last evaluated: 2020-11-21. Review status: criteria provided, single submitter. Criteria: Invitae Variant Classification Sherloc (09022015). Collection method: clinical testing. Allele origin: germline.
Comment: In summary, the available evidence is currently insufficient to determine the role of this variant in disease. Therefore, it has been classified as a Variant of Uncertain Significance. Nucleotide substitutions within the consensus splice site are a relatively common cause of aberrant splicing (PMID: 17576681, 9536098). Algorithms developed to predict the effect of sequence changes on RNA splicing suggest that this variant may disrupt the consensus splice site, but this prediction has not been confirmed by published transcriptional studies. This sequence change falls in intron 25 of the COL4A1 gene. It does not directly change the encoded amino acid sequence of the COL4A1 protein. It affects a nucleotide within the consensus splice site of the intron. This variant is not present in population databases (ExAC no frequency). This variant has been observed in individual(s) with COL4A1-related conditions (Invitae).

Literature cited by the submitters: PubMed 17576681; PubMed 9536098.